The following is an entry in ClinVar:

NM_001369268.1(ACAN):c.6993C>T (p.Cys2331=)

Gene: ACAN (aggrecan; plus strand). Cytogenetic location: 15q26.1.
Variant type: single nucleotide variant.
Coding change: c.6993C>T on transcript NM_001369268.1 (MANE Select); coding-DNA position 6993, C replaced by T.
Protein change: p.Cys2331=; no amino-acid change (cysteine 2331 retained).
Molecular consequence: synonymous variant. On other transcripts: intron variant (3).
Genome position (GRCh38, 1-based): chr15:88,868,262, C>T. VCF-style: chr15-88868262-C-T. GRCh37 (hg19) VCF-style: chr15-89411493-C-T.
Other names: c.6879C>T, p.Cys2293= (NM_001411097.1); c.6947-3120C>T (NM_013227.4); c.6833-3120C>T (NM_001411096.1, NM_001135.4).
Identifiers: ClinVar variation 3902127 (VCV003902127.1).

ClinVar aggregate classification (germline): Likely benign (1 of 4 stars; one submission).

gnomAD v4.1: 9 of 702,672 alleles (0.0013%); highest among the groups gnomAD compares: East Asian, 0.0054%; no homozygotes.

Submission:

Women's Health and Genetics/Laboratory Corporation of America, LabCorp
Classification: Likely benign. Last evaluated: 2025-05-19. Review status: criteria provided, single submitter. Criteria: LabCorp Variant Classification Summary - May 2015. Collection method: clinical testing. Allele origin: germline.
Comment: Variant summary: ACAN c.6993C>T alters a non-conserved nucleotide resulting in a synonymous change. Consensus agreement among computation tools predict no significant impact on normal splicing. However, these predictions have yet to be confirmed by functional studies. The variant allele was found at a frequency of 1.5e-05 in 134264 control chromosomes. The available data on variant occurrences in the general population are insufficient to allow any conclusion about variant significance. To our knowledge, no occurrence of c.6993C>T in individuals affected with ACAN-Related Disorders and no experimental evidence demonstrating its impact on protein function have been reported. No submitters have cited clinical-significance assessments for this variant to ClinVar. Based on the evidence outlined above, the variant was classified as likely benign.